The following is an entry in ClinVar:

ClinVar aggregate classification (germline): Benign/Likely benign. Review status: criteria provided, multiple submitters, no conflicts (2 of 4 stars). 5 submissions from 5 submitters: Benign (1); Likely benign (4). Last evaluated 2024-02-29.

Conditions:
Hereditary cancer-predisposing syndrome. Also called: Hereditary Cancer Syndrome; Hereditary neoplastic syndrome; Neoplastic Syndromes, Hereditary; Tumor predisposition. Identifiers: Orphanet 140162, MedGen C0027672, MeSH D009386, MONDO:0015356.
Familial adenomatous polyposis 1 (FAP1). Also called: FAMILIAL ADENOMATOUS POLYPOSIS 1, ATTENUATED; POLYPOSIS, ADENOMATOUS INTESTINAL. Identifiers: MedGen C2713442, MONDO:0021056, OMIM 175100. Disease mechanism: loss of function.

Submissions (5):

Myriad Genetics, Inc.
Classification: Benign for Familial adenomatous polyposis 1. Last evaluated: 2024-02-29. Review status: criteria provided, single submitter. Criteria: Myriad Autosomal Dominant, Autosomal Recessive and X-Linked Classification Criteria (2023). Collection method: clinical testing. Allele origin: unknown.
Comment: This variant is considered benign. This variant is a silent/synonymous amino acid change and it is not expected to impact splicing.

Labcorp Genetics (formerly Invitae), Labcorp
Classification: Likely benign for Familial adenomatous polyposis 1. Last evaluated: 2023-08-27. Review status: criteria provided, single submitter. Criteria: Invitae Variant Classification Sherloc (09022015). Collection method: clinical testing. Allele origin: germline.

Ambry Genetics
Classification: Likely benign for Hereditary cancer-predisposing syndrome. Last evaluated: 2020-03-04. Review status: criteria provided, single submitter. Criteria: Ambry Variant Classification Scheme 2023. Collection method: clinical testing. Allele origin: germline.

Color Diagnostics, LLC DBA Color Health
Classification: Likely benign for Hereditary cancer-predisposing syndrome. Last evaluated: 2020-01-21. Review status: criteria provided, single submitter. Criteria: ACMG Guidelines, 2015. Collection method: clinical testing. Allele origin: germline.

GeneDx
Classification: Likely benign. Last evaluated: 2016-01-25. Review status: criteria provided, single submitter. Criteria: GeneDx Variant Classification (06012015). Collection method: clinical testing. Allele origin: germline. Affected: yes.
Comment: This variant is considered likely benign or benign based on one or more of the following criteria: it is a conservative change, it occurs at a poorly conserved position in the protein, it is predicted to be benign by multiple in silico algorithms, and/or has population frequency not consistent with disease.

NM_000038.6(APC):c.1035A>T (p.Ile345=)

Gene: APC (APC regulator of Wnt signaling pathway; plus strand). Cytogenetic location: 5q22.2.
Variant type: single nucleotide variant.
Coding change: c.1035A>T on transcript NM_000038.6 (MANE Select); coding-DNA position 1035, A replaced by T.
Protein change: p.Ile345=; no amino-acid change (isoleucine 345 retained).
Molecular consequence: synonymous variant. On other transcripts: intron variant (4).
Genome position (GRCh38, 1-based): chr5:112,819,067, A>T. VCF-style: chr5-112819067-A-T. GRCh37 (hg19) VCF-style: chr5-112154764-A-T.
Other names: c.1035A>T, p.Ile345= (NM_001127510.3, NM_001354895.2, NM_001354896.2); c.981A>T, p.Ile327= (NM_001127511.3); c.1065A>T, p.Ile355= (NM_001354897.2); c.960A>T, p.Ile320= (NM_001354898.2); c.951A>T, p.Ile317= (NM_001354899.2); c.858A>T, p.Ile286= (NM_001354900.2, NM_001354901.2); c.186A>T, p.Ile62= (NM_001354906.2); c.964-202A>T (NM_001354902.2); and 3 more.
Identifiers: ClinVar variation 383348 (VCV000383348.8), dbSNP rs1057521594, ClinGen allele CA16605138.